The following is an entry in ClinVar:

NM_020791.4(TAOK1):c.1850del (p.Arg617fs)

Gene: TAOK1 (TAO kinase 1; plus strand). Cytogenetic location: 17q11.2.
Variant type: Deletion.
Coding change: c.1850del on transcript NM_020791.4 (MANE Select); coding-DNA position 1850, one base deleted (G; older notation c.1850delG).
Protein change: p.Arg617fs; shifts the reading frame from arginine 617.
Molecular consequence: frameshift variant. On other transcripts: intron variant (1).
Genome position (GRCh38, 1-based): chr17:29,517,598, G deleted. VCF-style (leftmost placement, unchanged base first): chr17-29517597-CG-C. GRCh37 (hg19) VCF-style: chr17-27844615-CG-C.
Other names: c.1704+6606del (NM_025142.1); short protein forms R617fs.
Identifiers: ClinVar variation 3251938 (VCV003251938.1), dbSNP rs2508291267.
Genomic context (GRCh38, chr17:29,517,597, plus strand): 5'-GCAGAAGAAGAAGCTAACCTTCTTCGACGTCAAAGACAATACCTAGAGCTGGAATGCCGT[CG>C]CTTCAAGAGAAGAATGTTACTTGGGCGTCATAACTTAGAGCAGGACCTTGTCAGGGAGGT-3'

ClinVar aggregate classification (germline): Pathogenic (1 of 4 stars; one submission).

Conditions:
Developmental delay with or without intellectual impairment or behavioral abnormalities. Identifiers: MedGen C5562004, MONDO:0859199, OMIM 619575.

Submission:

Institute of Immunology and Genetics Kaiserslautern
Classification: Pathogenic for Developmental delay with or without intellectual impairment or behavioral abnormalities. Last evaluated: 2024-06-07. Review status: criteria provided, single submitter. Criteria: ACMG Guidelines, 2015. Collection method: clinical testing. Allele origin: de novo. Affected: yes.
Comment: ACMG Criteria: PVS1, PS2, PM2; Variant was found in heterozygous state. De novo-status was comfirmed via in-house segregation analysis.